The following is an entry in ClinVar:

NM_001142864.4(PIEZO1):c.666C>T (p.Val222=)

Genes: HSALR1 (HSP90AB1 associated lncRNA 1; plus strand), PIEZO1 (piezo type mechanosensitive ion channel component 1 (Er blood group); minus strand). Cytogenetic location: 16q24.3.
Variant type: single nucleotide variant.
Coding change: c.666C>T on transcript NM_001142864.4 (MANE Select); coding-DNA position 666, C replaced by T.
Protein change: p.Val222=; no amino-acid change (valine 222 retained).
Molecular consequence: synonymous variant.
Genome position (GRCh38, 1-based): chr16:88,738,409, G>A on the plus strand (C>T on the coding strand, the complement: PIEZO1 is on the minus strand). VCF-style: chr16-88738409-G-A. GRCh37 (hg19) VCF-style: chr16-88804817-G-A.
Identifiers: ClinVar variation 738515 (VCV000738515.38), dbSNP rs541555439, ClinGen allele CA8233217.

ClinVar aggregate classification (germline): Benign/Likely benign. Review status: criteria provided, multiple submitters, no conflicts (2 of 4 stars). 3 submissions from 3 submitters: Benign (2); Likely benign (1). Last evaluated 2025-10-05.

Allele frequency attached by ClinVar (database versions not stated): gnomAD exomes 0.00028; ExAC 0.00060; gnomAD 0.00121 and 0.00129; 1000 Genomes Project 30x 0.00156; TOPMed 0.00158; 1000 Genomes Project 0.00160.
gnomAD v4.1: 355 of 1,535,860 alleles (0.023%); highest among the groups gnomAD compares: African/African-American, 0.45%; no homozygotes.

Submissions (3):

Labcorp Genetics (formerly Invitae), Labcorp
Classification: Benign. Last evaluated: 2025-10-05. Review status: criteria provided, single submitter. Criteria: Invitae Variant Classification Sherloc (09022015). Collection method: clinical testing. Allele origin: germline.

ARUP Laboratories, Molecular Genetics and Genomics, ARUP Laboratories
Classification: Benign. Last evaluated: 2024-07-07. Review status: criteria provided, single submitter. Criteria: ARUP Molecular Germline Variant Investigation Process 2024. Collection method: clinical testing. Allele origin: germline.

CeGaT Center for Human Genetics Tuebingen
Classification: Likely benign. Last evaluated: 2023-11-01. Review status: criteria provided, single submitter. Criteria: CeGaT Center For Human Genetics Tuebingen Variant Classification Criteria Version 2. Collection method: clinical testing. Allele origin: germline. Affected: yes. Observed: 1 variant allele.
Comment: PIEZO1: BP4, BP7